The following is an entry in ClinVar:

NM_007194.4(CHEK2):c.919G>A (p.Gly307Arg)

Gene: CHEK2 (checkpoint kinase 2; minus strand). Cytogenetic location: 22q12.1.
Variant type: single nucleotide variant.
Coding change: c.919G>A on transcript NM_007194.4 (MANE Select); coding-DNA position 919, G replaced by A.
Protein change: p.Gly307Arg; replaces glycine 307 with arginine.
Molecular consequence: missense variant.
Genome position (GRCh38, 1-based): chr22:28,699,927, C>T on the plus strand (G>A on the coding strand, the complement: CHEK2 is on the minus strand). VCF-style: chr22-28699927-C-T. GRCh37 (hg19) VCF-style: chr22-29095915-C-T.
Other names: c.1048G>A, p.Gly350Arg (NM_001005735.3); c.256G>A, p.Gly86Arg (NM_001257387.3); c.718G>A, p.Gly240Arg (NM_001349956.3); c.919G>A, p.Gly307Arg (NM_145862.3); short protein forms G307R, G350R, G86R, G240R.
Identifiers: ClinVar variation 530077 (VCV000530077.15), dbSNP rs1555915533, ClinGen allele CA411100147.

ClinVar aggregate classification (germline): Uncertain significance. Review status: criteria provided, multiple submitters, no conflicts (2 of 4 stars). 3 submissions from 3 submitters: Uncertain significance (3). Last evaluated 2025-09-07.

Conditions:
Familial cancer of breast. Also called: BREAST CANCER, FAMILIAL; Hereditary breast cancer; hereditary breast carcinoma. Identifiers: Orphanet 227535, MedGen C0346153, MONDO:0016419, OMIM 114480. Disease mechanism: loss of function.
Hereditary cancer-predisposing syndrome. Also called: Hereditary neoplastic syndrome; Neoplastic Syndromes, Hereditary; Hereditary Cancer Syndrome; Tumor predisposition. Identifiers: Orphanet 140162, MedGen C0027672, MeSH D009386, MONDO:0015356.

Allele frequency attached by ClinVar (database versions not stated): gnomAD exomes below 0.00001; TOPMed below 0.00001.
gnomAD v4.1: 2 of 1,613,252 alleles (0.00012%); highest among the groups gnomAD compares: African/African-American, 0.0013%; no homozygotes.

Submissions (3):

Labcorp Genetics (formerly Invitae), Labcorp
Classification: Uncertain significance for Familial cancer of breast. Last evaluated: 2025-09-07. Review status: criteria provided, single submitter. Criteria: Invitae Variant Classification Sherloc (09022015). Collection method: clinical testing. Allele origin: germline.
Comment: This sequence change replaces glycine, which is neutral and non-polar, with arginine, which is basic and polar, at codon 307 of the CHEK2 protein (p.Gly307Arg). This variant is not present in population databases (gnomAD no frequency). This variant has not been reported in the literature in individuals affected with CHEK2-related conditions. ClinVar contains an entry for this variant (Variation ID: 530077). An algorithm developed to predict the effect of missense changes on protein structure and function (PolyPhen-2) suggests that this variant is likely to be disruptive. In summary, the available evidence is currently insufficient to determine the role of this variant in disease. Therefore, it has been classified as a Variant of Uncertain Significance.

Ambry Genetics
Classification: Uncertain significance for Hereditary cancer-predisposing syndrome. Last evaluated: 2025-06-07. Review status: criteria provided, single submitter. Criteria: Ambry Variant Classification Scheme 2023. Collection method: clinical testing. Allele origin: germline.
Comment: The p.G307R variant (also known as c.919G>A), located in coding exon 8 of the CHEK2 gene, results from a G to A substitution at nucleotide position 919. The glycine at codon 307 is replaced by arginine, an amino acid with dissimilar properties. This amino acid position is highly conserved in available vertebrate species. In addition, this alteration is predicted to be deleterious by in silico analysis. Since supporting evidence is limited at this time, the clinical significance of this alteration remains unclear.

Color Diagnostics, LLC DBA Color Health
Classification: Uncertain significance for Hereditary cancer-predisposing syndrome. Last evaluated: 2025-02-25. Review status: criteria provided, single submitter. Criteria: ACMG Guidelines, 2015. Collection method: clinical testing. Allele origin: germline.
Comment: This missense variant replaces glycine with arginine at codon 307 of the CHEK2 protein. Computational prediction suggests that this variant may have deleterious impact on protein structure and function. To our knowledge, functional studies have not been reported for this variant. This variant has been reported in an ovarian cancer and a prostate cancer case-control study where it was found absent in cancer cases and found in 1 unaffected individual in each study (PMID: 31214711, 32546565). This variant has not been identified in the general population by the Genome Aggregation Database (gnomAD). The available evidence is insufficient to determine the role of this variant in disease conclusively. Therefore, this variant is classified as a Variant of Uncertain Significance.

Literature cited by the submitters: PubMed 31214711 (cited by Color Diagnostics, LLC DBA Color Health); PubMed 32546565 (cited by Color Diagnostics, LLC DBA Color Health).